The following is an entry in ClinVar:

ClinVar aggregate classification (germline): Uncertain significance. Review status: criteria provided, multiple submitters, no conflicts (2 of 4 stars). 2 submissions from 2 submitters: Uncertain significance (2). Last evaluated 2026-06-26.

Conditions:
Hereditary cancer-predisposing syndrome. Also called: Hereditary Cancer Syndrome; Hereditary neoplastic syndrome; Neoplastic Syndromes, Hereditary; Tumor predisposition. Identifiers: Orphanet 140162, MedGen C0027672, MeSH D009386, MONDO:0015356.
Familial adenomatous polyposis 1 (FAP1). Also called: POLYPOSIS, ADENOMATOUS INTESTINAL; FAMILIAL ADENOMATOUS POLYPOSIS 1, ATTENUATED. Identifiers: MedGen C2713442, MONDO:0021056, OMIM 175100. Disease mechanism: loss of function.

Submissions (2):

Ambry Genetics
Classification: Uncertain significance for Hereditary cancer-predisposing syndrome. Last evaluated: 2026-06-26. Review status: criteria provided, single submitter. Criteria: Ambry Variant Classification Scheme 2023. Collection method: clinical testing. Allele origin: germline.
Comment: The p.D700H variant (also known as c.2098G>C), located in coding exon 15 of the APC gene, results from a G to C substitution at nucleotide position 2098. The aspartic acid at codon 700 is replaced by histidine, an amino acid with similar properties. This amino acid position is conserved. In addition, in silico predictors for this gene do not accurately predict pathogenicity. Based on the available evidence, the clinical significance of this variant remains unclear.

Labcorp Genetics (formerly Invitae), Labcorp
Classification: Uncertain significance for Familial adenomatous polyposis 1. Last evaluated: 2023-06-21. Review status: criteria provided, single submitter. Criteria: Invitae Variant Classification Sherloc (09022015). Collection method: clinical testing. Allele origin: germline.
Comment: In summary, the available evidence is currently insufficient to determine the role of this variant in disease. Therefore, it has been classified as a Variant of Uncertain Significance. Advanced modeling of protein sequence and biophysical properties (such as structural, functional, and spatial information, amino acid conservation, physicochemical variation, residue mobility, and thermodynamic stability) performed at Invitae indicates that this missense variant is not expected to disrupt APC protein function. This variant has not been reported in the literature in individuals affected with APC-related conditions. This variant is not present in population databases (gnomAD no frequency). This sequence change replaces aspartic acid, which is acidic and polar, with histidine, which is basic and polar, at codon 700 of the APC protein (p.Asp700His).

NM_000038.6(APC):c.2098G>C (p.Asp700His)

Gene: APC (APC regulator of Wnt signaling pathway; plus strand). Cytogenetic location: 5q22.2.
Variant type: single nucleotide variant.
Coding change: c.2098G>C on transcript NM_000038.6 (MANE Select); coding-DNA position 2098, G replaced by C.
Protein change: p.Asp700His; replaces aspartic acid 700 with histidine.
Molecular consequence: missense variant. On other transcripts: non-coding transcript variant (2).
Genome position (GRCh38, 1-based): chr5:112,837,692, G>C. VCF-style: chr5-112837692-G-C. GRCh37 (hg19) VCF-style: chr5-112173389-G-C.
Other names: c.2098G>C (NM_000038.5); c.2098G>C, p.Asp700His (NM_001127510.3, NM_001354895.2, NM_001407450.1); c.2044G>C, p.Asp682His (NM_001127511.3); c.2152G>C, p.Asp718His (NM_001354896.2, NM_001407447.1, NM_001407448.1 and 1 more transcripts); c.2128G>C, p.Asp710His (NM_001354897.2); c.2023G>C, p.Asp675His (NM_001354898.2); c.2014G>C, p.Asp672His (NM_001354899.2); c.1975G>C, p.Asp659His (NM_001354900.2); and 12 more; short protein forms D417H, D540H, D609H, D641H, D672H, D571H, D690H, D693H.
Identifiers: ClinVar variation 2720315 (VCV002720315.4), dbSNP rs1765104612, ClinGen allele CA16025914.